The following is an entry in ClinVar:

ClinVar aggregate classification (germline): Benign/Likely benign. Review status: criteria provided, multiple submitters, no conflicts (2 of 4 stars). 3 submissions from 3 submitters: Benign (1); Likely benign (1). 1 of the submissions does not count toward it. Last evaluated 2024-11-25.

Conditions:
PDE1C-related disorder. Also called: PDE1C-related condition.

Allele frequency attached by ClinVar (database versions not stated): gnomAD exomes 0.00057 and 0.00121; ExAC 0.00154; gnomAD 0.00420 and 0.00442; ESP Exome Variant Server 0.00431; TOPMed 0.00464; 1000 Genomes Project 30x 0.00547; 1000 Genomes Project 0.00599.
gnomAD v4.1: 1,505 of 1,614,068 alleles (0.093%); highest among the groups gnomAD compares: African/African-American, 1.6%; 9 homozygotes.

Submissions (3):

Blueprint Genetics
Classification: Likely benign. Last evaluated: 2024-11-25. Review status: criteria provided, single submitter. Criteria: ACMG Guidelines, 2015. Collection method: clinical testing. Allele origin: germline.

Labcorp Genetics (formerly Invitae), Labcorp
Classification: Benign. Last evaluated: 2018-09-19. Review status: criteria provided, single submitter. Criteria: Invitae Variant Classification Sherloc (09022015). Collection method: clinical testing. Allele origin: germline.

PreventionGenetics, part of Exact Sciences
Classification: Benign for PDE1C-related condition. Last evaluated: 2019-04-01. Review status: no assertion criteria provided. Collection method: clinical testing. Allele origin: germline. Not counted in ClinVar's aggregate classification.
Comment: This variant is classified as benign based on ACMG/AMP sequence variant interpretation guidelines (Richards et al. 2015 PMID: 25741868, with internal and published modifications).

NM_001191057.4(PDE1C):c.366C>T (p.Asp122=)

Gene: PDE1C (phosphodiesterase 1C; minus strand). Cytogenetic location: 7p14.3.
Variant type: single nucleotide variant.
Coding change: c.366C>T on transcript NM_001191057.4 (MANE Select); coding-DNA position 366, C replaced by T.
Protein change: p.Asp122=; no amino-acid change (aspartic acid 122 retained).
Molecular consequence: synonymous variant.
Genome position (GRCh38, 1-based): chr7:31,879,055, G>A on the plus strand (C>T on the coding strand, the complement: PDE1C is on the minus strand). VCF-style: chr7-31879055-G-A. GRCh37 (hg19) VCF-style: chr7-31918668-G-A.
Other names: c.546C>T (NM_001191058.3); c.366C>T, p.Asp122= (NM_001191056.3, NM_001191059.4, NM_001322055.2 and 3 more transcripts); c.546C>T, p.Asp182= (NM_001191058.4, NM_001322058.2); c.771C>T, p.Asp257= (NM_001322059.2).
Identifiers: ClinVar variation 724139 (VCV000724139.6), dbSNP rs115957738, ClinGen allele CA4211240.